The following is an entry in ClinVar:

ClinVar aggregate classification (germline): Uncertain significance (1 of 4 stars; one submission).

Conditions:
Epileptic encephalopathy. Identifiers: MedGen C0543888, HP:0200134.

Allele frequency attached by ClinVar (database versions not stated): gnomAD exomes 0.00003 and 0.00010; ExAC 0.00004; TOPMed 0.00007; gnomAD 0.00009.
gnomAD v4.1: 154 of 1,565,486 alleles (0.0098%); highest among the groups gnomAD compares: Non-Finnish European, 0.013%; no homozygotes.

Submission:

Labcorp Genetics (formerly Invitae), Labcorp
Classification: Uncertain significance for Epileptic encephalopathy. Last evaluated: 2022-01-28. Review status: criteria provided, single submitter. Criteria: Invitae Variant Classification Sherloc (09022015). Collection method: clinical testing. Allele origin: germline.
Comment: In summary, the available evidence is currently insufficient to determine the role of this variant in disease. Therefore, it has been classified as a Variant of Uncertain Significance. Algorithms developed to predict the effect of missense changes on protein structure and function (SIFT, PolyPhen-2, Align-GVGD) all suggest that this variant is likely to be disruptive. This sequence change replaces isoleucine, which is neutral and non-polar, with asparagine, which is neutral and polar, at codon 1536 of the RYR3 protein (p.Ile1536Asn). This variant is present in population databases (rs541060757, gnomAD 0.01%). This variant has not been reported in the literature in individuals affected with RYR3-related conditions. ClinVar contains an entry for this variant (Variation ID: 850585).

NM_001036.6(RYR3):c.4607T>A (p.Ile1536Asn)

Gene: RYR3 (ryanodine receptor 3; plus strand). Cytogenetic location: 15q14.
Variant type: single nucleotide variant.
Coding change: c.4607T>A on transcript NM_001036.6 (MANE Select); coding-DNA position 4607, T replaced by A.
Protein change: p.Ile1536Asn; replaces isoleucine 1536 with asparagine.
Molecular consequence: missense variant.
Genome position (GRCh38, 1-based): chr15:33,660,408, T>A. VCF-style: chr15-33660408-T-A. GRCh37 (hg19) VCF-style: chr15-33952609-T-A.
Other names: c.4607T>A, p.Ile1536Asn (NM_001243996.4); short protein forms I1536N.
Identifiers: ClinVar variation 850585 (VCV000850585.9), dbSNP rs541060757, ClinGen allele CA7459053.
Genomic context (GRCh38, chr15:33,660,408, plus strand): 5'-GCGAGCGCCACGGCTGGGTGGTGCAGTGCCTGGAGCCCCTGCAGATGATGGCGCTCCACA[T>A]CCCCGAGGAGAACAGGTACCAGAGGGGCCCGCGAAGGAAGGGGCAGGCCTGAGGGGCAGG-3'
Protein context (NP_001027.3, residues 1526-1546): LEPLQMMALH[Ile1536Asn]PEENRCVDIL